The following is an entry in ClinVar:

NM_017672.6(TRPM7):c.685T>C (p.Leu229=)

Gene: TRPM7 (transient receptor potential cation channel subfamily M member 7; minus strand). Cytogenetic location: 15q21.2.
Variant type: single nucleotide variant.
Coding change: c.685T>C on transcript NM_017672.6 (MANE Select); coding-DNA position 685, T replaced by C.
Protein change: p.Leu229=; no amino-acid change (leucine 229 retained).
Molecular consequence: synonymous variant. On other transcripts: non-coding transcript variant (3).
Genome position (GRCh38, 1-based): chr15:50,637,569, A>G on the plus strand (T>C on the coding strand, the complement: TRPM7 is on the minus strand). VCF-style: chr15-50637569-A-G. GRCh37 (hg19) VCF-style: chr15-50929766-A-G.
Other names: c.685T>C, p.Leu229= (NM_001301212.2).
Identifiers: ClinVar variation 3772004 (VCV003772004.13).
Genomic context (GRCh38, chr15:50,637,569, plus strand): 5'-CCACCAATATGAAATGGGAATGCAGATTATTCAAAACATTCAATTTGCTCAGGGGGTTCA[A>G]TAAGGTTTGATAAGGAGCAACCACCTAAACAATAGCAAACAAAAGAGTTAGTGAGCAGGA-3'
Protein context (NP_060142.3, residues 219-239): RDVVAPYQTL[Leu229=]NPLSKLNVLN

ClinVar aggregate classification (germline): Likely benign (1 of 4 stars; one submission).

gnomAD v4.1: 6 of 1,613,914 alleles (0.00037%); highest among the groups gnomAD compares: South Asian, 0.0066%; no homozygotes.

Submission:

CeGaT Center for Human Genetics Tuebingen
Classification: Likely benign. Last evaluated: 2024-12-01. Review status: criteria provided, single submitter. Criteria: CeGaT Center For Human Genetics Tuebingen Variant Classification Criteria Version 2. Collection method: clinical testing. Allele origin: germline. Affected: yes. Observed: 1 variant allele.
Comment: TRPM7: BP4, BP7